The following is an entry in ClinVar:

NM_015570.4(AUTS2):c.421A>G (p.Arg141Gly)

Gene: AUTS2 (activator of transcription and developmental regulator AUTS2; plus strand). Cytogenetic location: 7q11.22.
Variant type: single nucleotide variant.
Coding change: c.421A>G on transcript NM_015570.4 (MANE Select); coding-DNA position 421, A replaced by G.
Protein change: p.Arg141Gly; replaces arginine 141 with glycine.
Molecular consequence: missense variant.
Genome position (GRCh38, 1-based): chr7:69,899,397, A>G. VCF-style: chr7-69899397-A-G. GRCh37 (hg19) VCF-style: chr7-69364383-A-G.
Other names: c.421A>G, p.Arg141Gly (NM_001127231.3, NM_001127232.3); c.421A>G (NM_015570.2); short protein forms R141G.
Identifiers: ClinVar variation 2084626 (VCV002084626.6), dbSNP rs755851980, ClinGen allele CA4280300.

ClinVar aggregate classification (germline): Conflicting classifications of pathogenicity. Review status: criteria provided, conflicting classifications (1 of 4 stars). 3 submissions from 3 submitters: Uncertain significance (2); Likely benign (1). Last evaluated 2026-08-12.

Conditions:
Autism spectrum disorder due to AUTS2 deficiency (MRD26). Also called: INTELLECTUAL DEVELOPMENTAL DISORDER, AUTOSOMAL DOMINANT 26. Identifiers: Orphanet 352490, MedGen C4014435, MONDO:0014361, OMIM 615834.
Inborn genetic diseases. Identifiers: MedGen C0950123, MeSH D030342.

Allele frequency attached by ClinVar (database versions not stated): gnomAD exomes below 0.00001; ExAC 0.00001; TOPMed below 0.00001; gnomAD 0.00001.
gnomAD v4.1: 3 of 1,613,964 alleles (0.00019%); highest among the groups gnomAD compares: Admixed American, 0.0017%; no homozygotes.

Submissions (3):

Ambry Genetics
Classification: Uncertain significance for Inborn genetic diseases. Last evaluated: 2026-08-12. Review status: criteria provided, single submitter. Criteria: Ambry Variant Classification Scheme 2023. Collection method: clinical testing. Allele origin: germline.
Comment: The c.421A>G (p.R141G) alteration is located in exon 2 (coding exon 2) of the AUTS2 gene. This alteration results from a A to G substitution at nucleotide position 421, causing the arginine (R) at amino acid position 141 to be replaced by a glycine (G). Based on data from gnomAD, the G allele has an overall frequency of <0.001% (1/250888) total alleles studied. The highest observed frequency was 0.003% (1/30616) of South Asian alleles. Based on insufficient or conflicting evidence, the clinical significance of this alteration remains unclear.

Labcorp Genetics (formerly Invitae), Labcorp
Classification: Likely benign. Last evaluated: 2023-12-07. Review status: criteria provided, single submitter. Criteria: Invitae Variant Classification Sherloc (09022015). Collection method: clinical testing. Allele origin: germline.

Baylor Genetics
Classification: Uncertain significance for Autism spectrum disorder due to AUTS2 deficiency. Last evaluated: 2023-04-04. Review status: criteria provided, single submitter. Criteria: ACMG Guidelines, 2015. Collection method: clinical testing. Allele origin: unknown.